The following is an entry in ClinVar:

NM_006231.4(POLE):c.2752T>C (p.Ser918Pro)

Gene: POLE (DNA polymerase epsilon, catalytic subunit; minus strand). Cytogenetic location: 12q24.33.
Variant type: single nucleotide variant.
Coding change: c.2752T>C on transcript NM_006231.4 (MANE Select); coding-DNA position 2752, T replaced by C.
Protein change: p.Ser918Pro; replaces serine 918 with proline.
Molecular consequence: missense variant.
Genome position (GRCh38, 1-based): chr12:132,661,639, A>G on the plus strand (T>C on the coding strand, the complement: POLE is on the minus strand). VCF-style: chr12-132661639-A-G. GRCh37 (hg19) VCF-style: chr12-133238225-A-G.
Other names: short protein forms S918P.
Identifiers: ClinVar variation 2051396 (VCV002051396.4), dbSNP rs2042684321, ClinGen allele CA387393919.

ClinVar aggregate classification (germline): Uncertain significance (1 of 4 stars; one submission).

Submission:

Labcorp Genetics (formerly Invitae), Labcorp
Classification: Uncertain significance. Last evaluated: 2023-06-17. Review status: criteria provided, single submitter. Criteria: Invitae Variant Classification Sherloc (09022015). Collection method: clinical testing. Allele origin: germline.
Comment: This sequence change replaces serine, which is neutral and polar, with proline, which is neutral and non-polar, at codon 918 of the POLE protein (p.Ser918Pro). This variant is not present in population databases (gnomAD no frequency). In summary, the available evidence is currently insufficient to determine the role of this variant in disease. Therefore, it has been classified as a Variant of Uncertain Significance. Advanced modeling of protein sequence and biophysical properties (such as structural, functional, and spatial information, amino acid conservation, physicochemical variation, residue mobility, and thermodynamic stability) performed at Invitae indicates that this missense variant is not expected to disrupt POLE protein function. ClinVar contains an entry for this variant (Variation ID: 2051396). This variant has not been reported in the literature in individuals affected with POLE-related conditions.